The following is an entry in ClinVar:

ClinVar aggregate classification (germline): Uncertain significance. Review status: criteria provided, multiple submitters, no conflicts (2 of 4 stars). 2 submissions from 2 submitters: Uncertain significance (2). Last evaluated 2023-11-28.

Conditions:
Primary ciliary dyskinesia. Also called: Ciliary dyskinesia. Identifiers: Orphanet 244, MedGen C0008780, MONDO:0016575, HP:0012265.

Allele frequency attached by ClinVar (database versions not stated): gnomAD exomes 0.00001; ExAC 0.00002; gnomAD 0.00008 and 0.00009; TOPMed 0.00009; 1000 Genomes Project 30x 0.00047; 1000 Genomes Project 0.00060.

Submissions (2):

Labcorp Genetics (formerly Invitae), Labcorp
Classification: Uncertain significance for Primary ciliary dyskinesia. Last evaluated: 2023-11-28. Review status: criteria provided, single submitter. Criteria: Invitae Variant Classification Sherloc (09022015). Collection method: clinical testing. Allele origin: germline.
Comment: This sequence change replaces leucine, which is neutral and non-polar, with valine, which is neutral and non-polar, at codon 283 of the DNAAF2 protein (p.Leu283Val). This variant is present in population databases (rs201544590, gnomAD 0.03%). This variant has not been reported in the literature in individuals affected with DNAAF2-related conditions. ClinVar contains an entry for this variant (Variation ID: 1405990). Advanced modeling of protein sequence and biophysical properties (such as structural, functional, and spatial information, amino acid conservation, physicochemical variation, residue mobility, and thermodynamic stability) performed at Invitae indicates that this missense variant is expected to disrupt DNAAF2 protein function with a positive predictive value of 80%. In summary, the available evidence is currently insufficient to determine the role of this variant in disease. Therefore, it has been classified as a Variant of Uncertain Significance.

Ambry Genetics
Classification: Uncertain significance for Primary ciliary dyskinesia. Last evaluated: 2023-10-23. Review status: criteria provided, single submitter. Criteria: Ambry Variant Classification Scheme 2023. Collection method: clinical testing. Allele origin: germline.
Comment: The p.L283V variant (also known as c.847C>G), located in coding exon 1 of the DNAAF2 gene, results from a C to G substitution at nucleotide position 847. The leucine at codon 283 is replaced by valine, an amino acid with highly similar properties. This amino acid position is conserved. In addition, this alteration is predicted to be tolerated by in silico analysis. Since supporting evidence is limited at this time, the clinical significance of this alteration remains unclear.

NM_018139.3(DNAAF2):c.847C>G (p.Leu283Val)

Gene: DNAAF2 (dynein axonemal assembly factor 2; minus strand). Cytogenetic location: 14q21.3.
Variant type: single nucleotide variant.
Coding change: c.847C>G on transcript NM_018139.3 (MANE Select); coding-DNA position 847, C replaced by G.
Protein change: p.Leu283Val; replaces leucine 283 with valine.
Molecular consequence: missense variant.
Genome position (GRCh38, 1-based): chr14:49,634,303, G>C on the plus strand (C>G on the coding strand, the complement: DNAAF2 is on the minus strand). VCF-style: chr14-49634303-G-C. GRCh37 (hg19) VCF-style: chr14-50101021-G-C.
Other names: c.847C>G, p.Leu283Val (NM_001083908.2); c.847C>G (NM_018139.2); short protein forms L283V.
Identifiers: ClinVar variation 1405990 (VCV001405990.10), dbSNP rs201544590, ClinGen allele CA7173011.